The following is an entry in ClinVar:

NM_001159773.2(CANT1):c.800A>T (p.Asn267Ile)

Gene: CANT1 (calcium activated nucleotidase 1; minus strand). Cytogenetic location: 17q25.3.
Variant type: single nucleotide variant.
Coding change: c.800A>T on transcript NM_001159773.2 (MANE Select); coding-DNA position 800, A replaced by T.
Protein change: p.Asn267Ile; replaces asparagine 267 with isoleucine.
Molecular consequence: missense variant.
Genome position (GRCh38, 1-based): chr17:78,995,053, T>A on the plus strand (A>T on the coding strand, the complement: CANT1 is on the minus strand). VCF-style: chr17-78995053-T-A. GRCh37 (hg19) VCF-style: chr17-76991135-T-A.
Other names: c.800A>T, p.Asn267Ile (NM_001159772.2, NM_138793.4); short protein forms N267I.
Identifiers: ClinVar variation 1897323 (VCV001897323.2), dbSNP rs758170862, ClinGen allele CA8808612.

ClinVar aggregate classification (germline): Uncertain significance (1 of 4 stars; one submission).

gnomAD v4.1: 20 of 1,598,838 alleles (0.0013%); highest among the groups gnomAD compares: Non-Finnish European, 0.0017%; no homozygotes.

Submission:

Labcorp Genetics (formerly Invitae), Labcorp
Classification: Uncertain significance. Last evaluated: 2022-07-20. Review status: criteria provided, single submitter. Criteria: Invitae Variant Classification Sherloc (09022015). Collection method: clinical testing. Allele origin: germline.
Comment: This sequence change replaces asparagine, which is neutral and polar, with isoleucine, which is neutral and non-polar, at codon 267 of the CANT1 protein (p.Asn267Ile). This variant is present in population databases (rs758170862, gnomAD 0.001%). This variant has not been reported in the literature in individuals affected with CANT1-related conditions. Algorithms developed to predict the effect of missense changes on protein structure and function (SIFT, PolyPhen-2, Align-GVGD) all suggest that this variant is likely to be tolerated. In summary, the available evidence is currently insufficient to determine the role of this variant in disease. Therefore, it has been classified as a Variant of Uncertain Significance.